The following is an entry in ClinVar:

NM_000634.3(CXCR1):c.608G>A (p.Arg203Gln)

Gene: CXCR1 (C-X-C motif chemokine receptor 1; minus strand). Cytogenetic location: 2q35.
Variant type: single nucleotide variant.
Coding change: c.608G>A on transcript NM_000634.3 (MANE Select); coding-DNA position 608, G replaced by A.
Protein change: p.Arg203Gln; replaces arginine 203 with glutamine.
Molecular consequence: missense variant.
Genome position (GRCh38, 1-based): chr2:218,164,604, C>T on the plus strand (G>A on the coding strand, the complement: CXCR1 is on the minus strand). VCF-style: chr2-218164604-C-T. GRCh37 (hg19) VCF-style: chr2-219029327-C-T.
Other names: short protein forms R203Q.
Identifiers: ClinVar variation 625927 (VCV000625927.3), dbSNP rs538588993, ClinGen allele CA2101982.

ClinVar aggregate classification (germline): Uncertain significance (1 of 4 stars; one submission).

Conditions:
Susceptibility to HIV infection. Also called: HUMAN IMMUNODEFICIENCY VIRUS TYPE 1, RESISTANCE TO; Human immunodeficiency virus type 1, susceptibility to; HIV-1, SUSCEPTIBILITY TO. Identifiers: MedGen C1836230, MONDO:0004951, OMIM 609423.

Allele frequency attached by ClinVar (database versions not stated): ExAC 0.00008; gnomAD exomes 0.00010; TOPMed 0.00014; 1000 Genomes Project 30x 0.00016; gnomAD 0.00016 and 0.00017; 1000 Genomes Project 0.00020.

Submission:

Center for Genomics, Ann and Robert H. Lurie Children's Hospital of Chicago
Classification: Uncertain significance for Susceptibility to HIV infection. Last evaluated: 2021-03-30. Review status: criteria provided, single submitter. Criteria: ACMG Guidelines, 2015. Collection method: clinical testing. Allele origin: germline.
Comment: CXCR1 NM_000634 exon 2 p.Arg203Gln (c.608G>A): This variant has not been reported in the literature but is present in 13/24038 African alleles in the Genome Aggregation Database. Evolutionary conservation and computational predictive tools suggest that this variant may impact the protein. In summary, data on this variant is insufficient for disease classification. Therefore, the clinical significance of this variant is uncertain.